The following is an entry in ClinVar:

NM_018646.6(TRPV6):c.2080C>T (p.Arg694Trp)

Gene: TRPV6 (transient receptor potential cation channel subfamily V member 6; minus strand). Cytogenetic location: 7q34.
Variant type: single nucleotide variant.
Coding change: c.2080C>T on transcript NM_018646.6 (MANE Select); coding-DNA position 2080, C replaced by T.
Protein change: p.Arg694Trp; replaces arginine 694 with tryptophan.
Molecular consequence: missense variant.
Genome position (GRCh38, 1-based): chr7:142,871,925, G>A on the plus strand (C>T on the coding strand, the complement: TRPV6 is on the minus strand). VCF-style: chr7-142871925-G-A. GRCh37 (hg19) VCF-style: chr7-142569678-G-A.
Other names: short protein forms R694W.
Identifiers: ClinVar variation 2388694 (VCV002388694.5), dbSNP rs374556937, ClinGen allele CA4532310.

ClinVar aggregate classification (germline): Uncertain significance. Review status: criteria provided, multiple submitters, no conflicts (2 of 4 stars). 2 submissions from 2 submitters: Uncertain significance (2). Last evaluated 2025-08-13.

Conditions:
Inborn genetic diseases. Identifiers: MedGen C0950123, MeSH D030342.

Allele frequency attached by ClinVar (database versions not stated): gnomAD 0.00002; ESP Exome Variant Server 0.00008; ExAC 0.00002.
gnomAD v4.1: 158 of 1,613,840 alleles (0.0098%); highest among the groups gnomAD compares: Non-Finnish European, 0.013%; no homozygotes.

Submissions (2):

Labcorp Genetics (formerly Invitae), Labcorp
Classification: Uncertain significance. Last evaluated: 2025-08-13. Review status: criteria provided, single submitter. Criteria: Invitae Variant Classification Sherloc (09022015). Collection method: clinical testing. Allele origin: germline.
Comment: This sequence change replaces arginine, which is basic and polar, with tryptophan, which is neutral and slightly polar, at codon 694 of the TRPV6 protein (p.Arg694Trp). This variant is present in population databases (rs374556937, gnomAD 0.007%). This variant has not been reported in the literature in individuals affected with TRPV6-related conditions. ClinVar contains an entry for this variant (Variation ID: 2388694). Experimental studies and prediction algorithms are not available or were not evaluated, and the functional significance of this variant is currently unknown. In summary, the available evidence is currently insufficient to determine the role of this variant in disease. Therefore, it has been classified as a Variant of Uncertain Significance.

Ambry Genetics
Classification: Uncertain significance for Inborn genetic diseases. Last evaluated: 2025-08-04. Review status: criteria provided, single submitter. Criteria: Ambry Variant Classification Scheme 2023. Collection method: clinical testing. Allele origin: germline.